The following is an entry in ClinVar:

ClinVar aggregate classification (germline): Uncertain significance (1 of 4 stars; one submission).

Conditions:
Lowe syndrome (OCRL). Also called: LOWE OCULOCEREBRORENAL SYNDROME; PHOSPHATIDYLINOSITOL 4,5-BISPHOSPHATE 5-PHOSPHATASE DEFICIENCY; Oculocerebrorenal Syndrome. Identifiers: Orphanet 534, MedGen C0028860, MONDO:0010645, OMIM 309000.

Submission:

Labcorp Genetics (formerly Invitae), Labcorp
Classification: Uncertain significance for Lowe syndrome. Last evaluated: 2023-04-15. Review status: criteria provided, single submitter. Criteria: Invitae Variant Classification Sherloc (09022015). Collection method: clinical testing. Allele origin: germline.
Comment: In summary, the available evidence is currently insufficient to determine the role of this variant in disease. Therefore, it has been classified as a Variant of Uncertain Significance. Advanced modeling of protein sequence and biophysical properties (such as structural, functional, and spatial information, amino acid conservation, physicochemical variation, residue mobility, and thermodynamic stability) has been performed at Invitae for this missense variant, however the output from this modeling did not meet the statistical confidence thresholds required to predict the impact of this variant on OCRL protein function. This variant has not been reported in the literature in individuals affected with OCRL-related conditions. This variant is not present in population databases (gnomAD no frequency). This sequence change replaces glutamine, which is neutral and polar, with arginine, which is basic and polar, at codon 115 of the OCRL protein (p.Gln115Arg).

NM_000276.4(OCRL):c.344A>G (p.Gln115Arg)

Gene: OCRL (OCRL inositol polyphosphate-5-phosphatase; plus strand). Cytogenetic location: Xq26.1.
Variant type: single nucleotide variant.
Coding change: c.344A>G on transcript NM_000276.4 (MANE Select); coding-DNA position 344, A replaced by G.
Protein change: p.Gln115Arg; replaces glutamine 115 with arginine.
Molecular consequence: missense variant.
Genome position (GRCh38, 1-based): chrX:129,557,430, A>G. VCF-style: chrX-129557430-A-G. GRCh37 (hg19) VCF-style: chrX-128691407-A-G.
Other names: c.347A>G, p.Gln116Arg (NM_001318784.2); c.344A>G, p.Gln115Arg (NM_001587.4); short protein forms Q115R, Q116R.
Identifiers: ClinVar variation 2856352 (VCV002856352.3), dbSNP rs2521873345, ClinGen allele CA414551008.
Genomic context (GRCh38, chrX:129,557,430, plus strand): 5'-GCTTTGAAATCCCTGATGAGGAACACTGTTTGAAGTTCCTCTCAGCTGTCCTTGCTGCTC[A>G]GAAAGGTAACTAAAGACTCAGCGATTTTCTTTCTTCTATTTCAACGGGAGTGGAATTCTG-3'
Protein context (NP_000267.2, residues 105-125): LKFLSAVLAA[Gln115Arg]KAQSQLLVPE